The following is an entry in ClinVar:

ClinVar aggregate classification (germline): Uncertain significance (1 of 4 stars; one submission).

Submission:

GeneDx
Classification: Uncertain significance. Last evaluated: 2026-02-28. Review status: criteria provided, single submitter. Criteria: GeneDx Variant Classification Process June 2021. Collection method: clinical testing. Allele origin: germline.
Comment: Not observed at significant frequency in large population cohorts (gnomAD); In silico analysis suggests that this missense variant does not alter protein structure/function; Has not been previously published as pathogenic or benign to our knowledge

NM_006280.3(SSR4):c.506G>A (p.Ser169Asn)

Gene: SSR4 (signal sequence receptor subunit 4; plus strand). Cytogenetic location: Xq28.
Variant type: single nucleotide variant.
Coding change: c.506G>A on transcript NM_006280.3 (MANE Select); coding-DNA position 506, G replaced by A.
Protein change: p.Ser169Asn; replaces serine 169 with asparagine.
Molecular consequence: missense variant. On other transcripts: non-coding transcript variant (1).
Genome position (GRCh38, 1-based): chrX:153,798,417, G>A. VCF-style: chrX-153798417-G-A. GRCh37 (hg19) VCF-style: chrX-153063872-G-A.
Other names: c.539G>A, p.Ser180Asn (NM_001204526.2); c.530G>A, p.Ser177Asn (NM_001204527.2); c.587G>A, p.Ser196Asn (NM_001440795.1); c.506G>A, p.Ser169Asn (NM_001440796.1); short protein forms S196N, S169N, S177N, S180N.
Identifiers: ClinVar variation 5008074 (VCV005008074.1).